The following is an entry in ClinVar:

ClinVar aggregate classification (germline): Uncertain significance (1 of 4 stars; one submission).

Conditions:
Ataxia-telangiectasia syndrome (AT). Also called: Ataxia-telangiectasia; LOUIS-BAR SYNDROME; Ataxia-telangiectasia, complementation group D; AT, COMPLEMENTATION GROUP C; ATAXIA-TELANGIECTASIA, COMPLEMENTATION GROUP A; ATAXIA-TELANGIECTASIA, FRESNO VARIANT. Identifiers: Orphanet 100, MedGen C0004135, MONDO:0008840, OMIM 208900.

gnomAD v4.1: 1 of 1,612,418 alleles (0.000062%); highest among the groups gnomAD compares: Non-Finnish European, 0.000085%; no homozygotes.

Submission:

Labcorp Genetics (formerly Invitae), Labcorp
Classification: Uncertain significance for Ataxia-telangiectasia syndrome. Last evaluated: 2021-03-07. Review status: criteria provided, single submitter. Criteria: Invitae Variant Classification Sherloc (09022015). Collection method: clinical testing. Allele origin: germline.
Comment: This sequence change replaces threonine with arginine at codon 2513 of the ATM protein (p.Thr2513Arg). The threonine residue is weakly conserved and there is a moderate physicochemical difference between threonine and arginine. This variant is not present in population databases (ExAC no frequency). This variant has not been reported in the literature in individuals with ATM-related conditions. Advanced modeling of protein sequence and biophysical properties (such as structural, functional, and spatial information, amino acid conservation, physicochemical variation, residue mobility, and thermodynamic stability) performed at Invitae indicates that this missense variant is not expected to disrupt ATM protein function. In summary, the available evidence is currently insufficient to determine the role of this variant in disease. Therefore, it has been classified as a Variant of Uncertain Significance.

NM_000051.4(ATM):c.7538C>G (p.Thr2513Arg)

Genes: ATM (ATM serine/threonine kinase; plus strand), C11orf65 (chromosome 11 open reading frame 65; minus strand). Cytogenetic location: 11q22.3.
Variant type: single nucleotide variant.
Coding change: c.7538C>G on transcript NM_000051.4 (MANE Select); coding-DNA position 7538, C replaced by G.
Protein change: p.Thr2513Arg; replaces threonine 2513 with arginine.
Molecular consequence: missense variant. On other transcripts: non-coding transcript variant (1), intron variant (2).
Genome position (GRCh38, 1-based): chr11:108,331,466, C>G. VCF-style: chr11-108331466-C-G. GRCh37 (hg19) VCF-style: chr11-108202193-C-G.
Other names: c.7538C>G, p.Thr2513Arg (NM_001351834.2); c.641-22395G>C (NM_001330368.2); c.*38+3754G>C (NM_001351110.2); short protein forms T2513R.
Identifiers: ClinVar variation 1412799 (VCV001412799.8), dbSNP rs2136492214, ClinGen allele CA382560681.